The following is an entry in ClinVar:

ClinVar aggregate classification (germline): Uncertain significance. Review status: criteria provided, multiple submitters, no conflicts (2 of 4 stars). 8 submissions from 8 submitters: Uncertain significance (7). 1 of the submissions does not count toward it. Last evaluated 2026-06-26.

Conditions:
RET-related disorder. Also called: RET-related condition; RET-related disease; RET-related disorders.
Multiple endocrine neoplasia, type 2 (MEN2). Identifiers: Orphanet 653, MedGen C4048306, MONDO:0019003. Disease mechanism: gain of function.
Multiple endocrine neoplasia type 2A. Also called: MULTIPLE ENDOCRINE NEOPLASIA, TYPE IIA; PTC SYNDROME; SIPPLE SYNDROME; MEN 2A; MEN-2A syndrome; Pheochromocytoma and amyloid producing medullary thyroid carcinoma. Identifiers: Orphanet 247698, Orphanet 653, MedGen C0025268, MeSH D018813, MONDO:0008234, OMIM 171400.
Hereditary cancer-predisposing syndrome. Also called: Tumor predisposition; Hereditary neoplastic syndrome; Neoplastic Syndromes, Hereditary; Hereditary Cancer Syndrome. Identifiers: Orphanet 140162, MedGen C0027672, MeSH D009386, MONDO:0015356.

gnomAD v4.1: 6 of 1,613,814 alleles (0.00037%); highest among the groups gnomAD compares: South Asian, 0.0022%; no homozygotes.

Submissions (8):

PreventionGenetics, part of Exact Sciences
Classification: Uncertain significance for RET-related condition. Last evaluated: 2026-06-26. Review status: criteria provided, single submitter. Criteria: ACMG Guidelines, 2015. Collection method: clinical testing. Allele origin: germline.
Comment: The RET c.1267G>A variant is predicted to result in the amino acid substitution p.Gly423Arg. This variant is not predicted to affect the canonical splice site but may result in the creation of a cryptic splice acceptor site based on available splicing prediction programs (SpliceAI, Jaganathan et al. 2019. PubMed ID: 30661751); however, the use of computer prediction programs is not equivalent to functional evidence. This variant is reported in 0.0033% of alleles in individuals of South Asian descent in gnomAD. At this time, the clinical significance of this variant is uncertain due to the absence of conclusive functional and genetic evidence.

Color Diagnostics, LLC DBA Color Health
Classification: Uncertain significance for Multiple endocrine neoplasia, type 2. Last evaluated: 2025-09-23. Review status: criteria provided, single submitter. Criteria: ACMG Guidelines, 2015. Collection method: clinical testing. Allele origin: germline.
Comment: This missense variant replaces glycine with arginine at codon 423 of the RET protein. Computational predictions are inconclusive regarding the impact of this variant on protein structure and function. To our knowledge, functional studies have not been reported for this variant. This variant has been reported in individuals affected with Hirschsprung disease (PMID: 21995290, 22174939). This variant has been identified in 2/250476 chromosomes in the general population by the Genome Aggregation Database (gnomAD). The available evidence is insufficient to determine the role of this variant in disease conclusively. Therefore, this variant is classified as a Variant of Uncertain Significance.

Labcorp Genetics (formerly Invitae), Labcorp
Classification: Uncertain significance for Multiple endocrine neoplasia, type 2. Last evaluated: 2025-05-13. Review status: criteria provided, single submitter. Criteria: Invitae Variant Classification Sherloc (09022015). Collection method: clinical testing. Allele origin: germline.
Comment: This sequence change replaces glycine, which is neutral and non-polar, with arginine, which is basic and polar, at codon 423 of the RET protein (p.Gly423Arg). This variant is present in population databases (rs767601598, gnomAD 0.003%). This missense change has been observed in individual(s) with Hirschsprung disease (PMID: 21995290, 22174939). ClinVar contains an entry for this variant (Variation ID: 548849). An algorithm developed to predict the effect of missense changes on protein structure and function (PolyPhen-2) suggests that this variant is likely to be disruptive. In summary, the available evidence is currently insufficient to determine the role of this variant in disease. Therefore, it has been classified as a Variant of Uncertain Significance.

Ambry Genetics
Classification: Uncertain significance for Hereditary cancer-predisposing syndrome. Last evaluated: 2023-10-06. Review status: criteria provided, single submitter. Criteria: Ambry Variant Classification Scheme 2023. Collection method: clinical testing. Allele origin: germline.
Comment: The p.G423R variant (also known as c.1267G>A), located in coding exon 7 of the RET gene, results from a G to A substitution at nucleotide position 1267. The glycine at codon 423 is replaced by arginine, an amino acid with dissimilar properties. This variant has been reported in two individuals with Hirschsprung disease (So MT, PLoS ONE 2011 ; 6(12):e28986 and N&uacute;&ntilde;ez-Torres R, BMC Med. Genet. 2011 ; 12:138). This amino acid position is highly conserved in available vertebrate species. In addition, this alteration is predicted to be deleterious by in silico analysis. Since supporting evidence is limited at this time, the clinical significance of this alteration remains unclear.

All of Us Research Program, National Institutes of Health
Classification: Uncertain significance for Multiple endocrine neoplasia, type 2. Last evaluated: 2023-08-28. Review status: criteria provided, single submitter. Criteria: ACMG Guidelines, 2015. Collection method: clinical testing. Allele origin: germline. Inheritance: Autosomal dominant inheritance. Observed: 2 variant alleles, 2 heterozygotes.
Comment: This missense variant replaces glycine with arginine at codon 423 of the RET protein. Computational prediction suggests that this variant may have deleterious impact on protein structure and function (internally defined REVEL score threshold >= 0.7, PMID: 27666373). To our knowledge, functional studies have not been reported for this variant. This variant has been reported in individuals affected with Hirschsprung disease (PMID: 21995290, 22174939). This variant has been identified in 2/250476 chromosomes in the general population by the Genome Aggregation Database (gnomAD). The available evidence is insufficient to determine the role of this variant in disease conclusively. Therefore, this variant is classified as a Variant of Uncertain Significance.

This study involves interpretation of variants in research participants for the purpose of population health screening. Participant phenotype was not available at the time of variant classification. Additional details can be found in publication PMID: 35346344, PMCID: PMC8962531

GeneDx
Classification: Uncertain significance. Last evaluated: 2022-05-31. Review status: criteria provided, single submitter. Criteria: GeneDx Variant Classification Process June 2021. Collection method: clinical testing. Allele origin: germline. Affected: yes.
Comment: Not observed at significant frequency in large population cohorts (gnomAD); In silico analysis supports that this missense variant has a deleterious effect on protein structure/function; In silico analysis, which includes splice predictors and evolutionary conservation, suggests this variant may also impact gene splicing, but in the absence of RNA/functional studies, the actual effect of this sequence change is unknown; This variant is associated with the following publications: (PMID: 21995290, 28179590, 24241536, 22174939)

Blueprint Genetics
Classification: Uncertain significance. Last evaluated: 2020-07-02. Review status: criteria provided, single submitter. Criteria: ACMG Guidelines, 2015. Collection method: clinical testing. Allele origin: germline.

Counsyl
Classification: Uncertain significance for Multiple endocrine neoplasia type 2A. Last evaluated: 2018-02-16. Review status: no assertion criteria provided. Collection method: clinical testing. Allele origin: unknown. Not counted in ClinVar's aggregate classification.

Literature cited by the submitters: PubMed 21995290 (cited by 5 submitters); PubMed 22174939 (cited by 5 submitters); PubMed 28276298 (cited by Ambry Genetics).

NM_020975.6(RET):c.1267G>A (p.Gly423Arg)

Gene: RET (ret proto-oncogene; plus strand). Cytogenetic location: 10q11.21.
Variant type: single nucleotide variant.
Coding change: c.1267G>A on transcript NM_020975.6 (MANE Select); coding-DNA position 1267, G replaced by A.
Protein change: p.Gly423Arg; replaces glycine 423 with arginine.
Molecular consequence: missense variant.
Genome position (GRCh38, 1-based): chr10:43,111,210, G>A. VCF-style: chr10-43111210-G-A. GRCh37 (hg19) VCF-style: chr10-43606658-G-A.
Other names: c.1267G>A, p.Gly423Arg (NM_000323.2, NM_001406743.1, NM_001406744.1 and 6 more transcripts); c.505G>A, p.Gly169Arg (NM_001355216.2); c.979G>A, p.Gly327Arg (NM_001406770.1, NM_001406766.1, NM_001406767.1); c.829G>A, p.Gly277Arg (NM_001406771.1, NM_001406773.1); c.871G>A, p.Gly291Arg (NM_001406772.1, NM_001406769.1); c.742G>A, p.Gly248Arg (NM_001406774.1); c.541G>A, p.Gly181Arg (NM_001406775.1, NM_001406776.1, NM_001406777.1 and 1 more transcripts); c.277G>A, p.Gly93Arg (NM_001406784.1); and 1 more; short protein forms G423R, G169R, G248R, G327R, G93R, G181R, G277R, G291R.
Identifiers: ClinVar variation 548849 (VCV000548849.15), dbSNP rs767601598, ClinGen allele CA032731.
Genomic context (GRCh38, chr10:43,111,210, plus strand): 5'-AGGCCATTACAGGCCGGTCCAGCTGCCTGGCTAAGGTGTTCCCCTGTGCCCCCCTAGATC[G>A]GGAAAGTCTGTGTGGAAAACTGCCAGGCATTCAGTGGCATCAACGTCCAGTACAAGCTGC-3'
Protein context (NP_066124.1, residues 413-433): SRRARRFAQI[Gly423Arg]KVCVENCQAF